The following is an entry in ClinVar:

ClinVar aggregate classification (germline): Likely benign. Review status: criteria provided, single submitter (1 of 4 stars). 2 submissions from 2 submitters: Likely benign (1). 1 of the submissions does not count toward it. Last evaluated 2020-02-22.

Conditions:
SATB2-related disorder. Also called: SATB2-related condition.
Chromosome 2q32-q33 deletion syndrome (GLASS). Also called: Glass syndrome; 2q33.1 deletion syndrome. Identifiers: Orphanet 251019, MedGen C2676739, MONDO:0012864, OMIM 612313.

Allele frequency attached by ClinVar (database versions not stated): TOPMed below 0.00001; gnomAD exomes below 0.00001 and 0.00001.
gnomAD v4.1: 6 of 1,613,278 alleles (0.00037%); highest among the groups gnomAD compares: Non-Finnish European, 0.00051%; no homozygotes.

Submissions (2):

Labcorp Genetics (formerly Invitae), Labcorp
Classification: Likely benign for Chromosome 2q32-q33 deletion syndrome. Last evaluated: 2020-02-22. Review status: criteria provided, single submitter. Criteria: Invitae Variant Classification Sherloc (09022015). Collection method: clinical testing. Allele origin: germline.

PreventionGenetics, part of Exact Sciences
Classification: Likely benign for SATB2-related condition. Last evaluated: 2020-05-15. Review status: no assertion criteria provided. Collection method: clinical testing. Allele origin: germline. Not counted in ClinVar's aggregate classification.
Comment: This variant is classified as likely benign based on ACMG/AMP sequence variant interpretation guidelines (Richards et al. 2015 PMID: 25741868, with internal and published modifications).

NM_001172509.2(SATB2):c.1542+9T>C

Gene: SATB2 (SATB homeobox 2; minus strand). Cytogenetic location: 2q33.1.
Variant type: single nucleotide variant.
Coding change: c.1542+9T>C on transcript NM_001172509.2 (MANE Select); 9 bases into the intron after coding-DNA position 1542, T replaced by C.
Molecular consequence: intron variant.
Genome position (GRCh38, 1-based): chr2:199,323,794, A>G on the plus strand (T>C on the coding strand, the complement: SATB2 is on the minus strand). VCF-style: chr2-199323794-A-G. GRCh37 (hg19) VCF-style: chr2-200188517-A-G.
Other names: c.1542+9T>C (NM_001172517.1, NM_015265.4).
Identifiers: ClinVar variation 469543 (VCV000469543.14), dbSNP rs1306705746, ClinGen allele CA538871534.